The following is an entry in ClinVar:

NM_000051.4(ATM):c.5675-10T>A

Gene: ATM (ATM serine/threonine kinase; plus strand). Cytogenetic location: 11q22.3.
Variant type: single nucleotide variant.
Coding change: c.5675-10T>A on transcript NM_000051.4 (MANE Select); 10 bases into the intron before coding-DNA position 5675, T replaced by A.
Molecular consequence: intron variant.
Genome position (GRCh38, 1-based): chr11:108,307,887, T>A. VCF-style: chr11-108307887-T-A. GRCh37 (hg19) VCF-style: chr11-108178614-T-A.
Other names: c.5675-10T>A (NM_001351834.2).
Identifiers: ClinVar variation 1368786 (VCV001368786.8), dbSNP rs377599533, ClinGen allele CA2573146685.

ClinVar aggregate classification (germline): Uncertain significance (1 of 4 stars; one submission).

Conditions:
Ataxia-telangiectasia syndrome (AT). Also called: Cerebello-oculocutaneous telangiectasia; Immunodeficiency with ataxia telangiectasia; AT, COMPLEMENTATION GROUP C; Ataxia-telangiectasia, complementation group E; LOUIS-BAR SYNDROME; ATAXIA-TELANGIECTASIA, COMPLEMENTATION GROUP A. Identifiers: Orphanet 100, MedGen C0004135, MONDO:0008840, OMIM 208900.

Submission:

Labcorp Genetics (formerly Invitae), Labcorp
Classification: Uncertain significance for Ataxia-telangiectasia syndrome. Last evaluated: 2025-07-07. Review status: criteria provided, single submitter. Criteria: Invitae Variant Classification Sherloc (09022015). Collection method: clinical testing. Allele origin: germline.
Comment: This sequence change falls in intron 37 of the ATM gene. It does not directly change the encoded amino acid sequence of the ATM protein. This variant is not present in population databases (gnomAD no frequency). This variant has not been reported in the literature in individuals affected with ATM-related conditions. ClinVar contains an entry for this variant (Variation ID: 1368786). Algorithms developed to predict the effect of sequence changes on RNA splicing suggest that this variant may disrupt the consensus splice site. In summary, the available evidence is currently insufficient to determine the role of this variant in disease. Therefore, it has been classified as a Variant of Uncertain Significance.